The following is an entry in ClinVar:

NM_001453.3(FOXC1):c.539T>A (p.Val180Glu)

Gene: FOXC1 (forkhead box C1; plus strand). Cytogenetic location: 6p25.3.
Variant type: single nucleotide variant.
Coding change: c.539T>A on transcript NM_001453.3 (MANE Select); coding-DNA position 539, T replaced by A.
Protein change: p.Val180Glu; replaces valine 180 with glutamic acid.
Molecular consequence: missense variant.
Genome position (GRCh38, 1-based): chr6:1,610,984, T>A. VCF-style: chr6-1610984-T-A. GRCh37 (hg19) VCF-style: chr6-1611219-T-A.
Other names: short protein forms V180E.
Identifiers: ClinVar variation 4732409 (VCV004732409.1).

ClinVar aggregate classification (germline): Uncertain significance (1 of 4 stars; one submission).

Conditions:
Axenfeld-Rieger syndrome type 3 (RIEG3). Also called: AXENFELD-RIEGER ANOMALY WITH CARDIAC DEFECTS AND/OR SENSORINEURAL HEARING LOSS. Identifiers: Orphanet 782, MedGen C2678503, MONDO:0011233, OMIM 602482.

Submission:

Labcorp Genetics (formerly Invitae), Labcorp
Classification: Uncertain significance for Axenfeld-Rieger syndrome type 3. Last evaluated: 2025-12-03. Review status: criteria provided, single submitter. Criteria: Invitae Variant Classification Sherloc (09022015). Collection method: clinical testing. Allele origin: germline.
Comment: This sequence change replaces valine, which is neutral and non-polar, with glutamic acid, which is acidic and polar, at codon 180 of the FOXC1 protein (p.Val180Glu). This variant is not present in population databases (gnomAD no frequency). This variant has not been reported in the literature in individuals affected with FOXC1-related conditions. An algorithm developed to predict the effect of missense changes on protein structure and function (PolyPhen-2) suggests that this variant is likely to be tolerated. In summary, the available evidence is currently insufficient to determine the role of this variant in disease. Therefore, it has been classified as a Variant of Uncertain Significance.